The following is an entry in ClinVar:

NM_024598.4(USB1):c.607C>G (p.Gln203Glu)

Gene: USB1 (U6 snRNA biogenesis phosphodiesterase 1; plus strand). Cytogenetic location: 16q21.
Variant type: single nucleotide variant.
Coding change: c.607C>G on transcript NM_024598.4 (MANE Select); coding-DNA position 607, C replaced by G.
Protein change: p.Gln203Glu; replaces glutamine 203 with glutamic acid.
Molecular consequence: missense variant.
Genome position (GRCh38, 1-based): chr16:58,017,437, C>G. VCF-style: chr16-58017437-C-G. GRCh37 (hg19) VCF-style: chr16-58051341-C-G.
Other names: c.553C>G, p.Gln185Glu (NM_001195302.2); c.454C>G, p.Gln152Glu (NM_001330568.2); short protein forms Q185E, Q152E, Q203E.
Identifiers: ClinVar variation 5031624 (VCV005031624.1).

ClinVar aggregate classification (germline): Uncertain significance (1 of 4 stars; one submission).

Conditions:
Inborn genetic diseases. Identifiers: MedGen C0950123, MeSH D030342.

Submission:

Ambry Genetics
Classification: Uncertain significance for Inborn genetic diseases. Last evaluated: 2026-08-27. Review status: criteria provided, single submitter. Criteria: Ambry Variant Classification Scheme 2023. Collection method: clinical testing. Allele origin: germline.
Comment: The p.Q203E variant (also known as c.607C>G), located in coding exon 5 of the USB1 gene, results from a C to G substitution at nucleotide position 607. The glutamine at codon 203 is replaced by glutamic acid, an amino acid with highly similar properties. This amino acid position is conserved. In addition, this alteration is predicted to be tolerated by in silico analysis. Based on the available evidence, the clinical significance of this variant remains unclear.